The following is an entry in ClinVar:

ClinVar aggregate classification (germline): Uncertain significance (1 of 4 stars; one submission).

gnomAD v4.1: 4 of 1,613,984 alleles (0.00025%); highest among the groups gnomAD compares: Non-Finnish European, 0.00034%; no homozygotes.

Submission:

CeGaT Center for Human Genetics Tuebingen
Classification: Uncertain significance. Last evaluated: 2025-06-01. Review status: criteria provided, single submitter. Criteria: CeGaT Center For Human Genetics Tuebingen Variant Classification Criteria Version 2. Collection method: clinical testing. Allele origin: germline. Affected: yes. Observed: 1 variant allele.
Comment: SPG11: PM2

NM_025137.4(SPG11):c.501C>A (p.Phe167Leu)

Gene: SPG11 (SPG11 vesicle trafficking associated, spatacsin; minus strand). Cytogenetic location: 15q21.1.
Variant type: single nucleotide variant.
Coding change: c.501C>A on transcript NM_025137.4 (MANE Select); coding-DNA position 501, C replaced by A.
Protein change: p.Phe167Leu; replaces phenylalanine 167 with leucine.
Molecular consequence: missense variant.
Genome position (GRCh38, 1-based): chr15:44,659,245, G>T on the plus strand (C>A on the coding strand, the complement: SPG11 is on the minus strand). VCF-style: chr15-44659245-G-T. GRCh37 (hg19) VCF-style: chr15-44951443-G-T.
Other names: c.501C>A, p.Phe167Leu (NM_001160227.2, NM_001411132.1); short protein forms F167L.
Identifiers: ClinVar variation 4084466 (VCV004084466.8).
Genomic context (GRCh38, chr15:44,659,245, plus strand): 5'-TACTCTAATTGCAGCATCTCTTTCAGGAAATATAATATGTAGGATGACACATTTGTTGAT[G>T]AACAGTAATGATGTGTTATTGTGAAATGACAGGATTCTCAAAGACAATAAGGAAATACCT-3'
Protein context (NP_079413.3, residues 157-177): LSFHNNTSLL[Phe167Leu]INKCVILHII